The following is an entry in ClinVar:

ClinVar aggregate classification (germline): Uncertain significance (1 of 4 stars; one submission).

Submission:

GeneDx
Classification: Uncertain significance. Last evaluated: 2023-05-17. Review status: criteria provided, single submitter. Criteria: GeneDx Variant Classification Process June 2021. Collection method: clinical testing. Allele origin: germline. Affected: yes.
Comment: Not observed at significant frequency in large population cohorts (gnomAD); In silico analysis supports that this missense variant does not alter protein structure/function; Has not been previously published as pathogenic or benign to our knowledge

NM_005445.4(SMC3):c.2681T>C (p.Ile894Thr)

Gene: SMC3 (structural maintenance of chromosomes 3; plus strand). Cytogenetic location: 10q25.2.
Variant type: single nucleotide variant.
Coding change: c.2681T>C on transcript NM_005445.4 (MANE Select); coding-DNA position 2681, T replaced by C.
Protein change: p.Ile894Thr; replaces isoleucine 894 with threonine.
Molecular consequence: missense variant.
Genome position (GRCh38, 1-based): chr10:110,601,673, T>C. VCF-style: chr10-110601673-T-C. GRCh37 (hg19) VCF-style: chr10-112361431-T-C.
Other names: short protein forms I894T.
Identifiers: ClinVar variation 3343490 (VCV003343490.1).
Genomic context (GRCh38, chr10:110,601,673, plus strand): 5'-TAATTTTGTTTCCCCCCATCTTAGATTTGGACAATTCCATTGATAAAACAGAAGCTGGAA[T>C]TAAGGAGCTTCAGAAGAGTATGGAGCGCTGGAAAAATATGGAAAAAGAACATATGGATGC-3'
Protein context (NP_005436.1, residues 884-904): DNSIDKTEAG[Ile894Thr]KELQKSMERW